The following is an entry in ClinVar:

ClinVar aggregate classification (germline): Likely pathogenic (1 of 4 stars; one submission).

Conditions:
Pyknodysostosis. Also called: Pycnodysostosis. Identifiers: Orphanet 763, MedGen C0238402, MONDO:0009940, OMIM 265800.

Submission:

Myriad Genetics, Inc.
Classification: Likely pathogenic for Pyknodysostosis. Last evaluated: 2022-03-29. Review status: criteria provided, single submitter. Criteria: Myriad Women's Health Autosomal Recessive and X-Linked Classification Criteria (2021). Collection method: clinical testing. Allele origin: unknown.
Comment: NM_000396.3(CTSK):c.163A>T(K55*) is expected to be pathogenic in the context of pycnodysostosis. This variant is predicted to lead to an abnormal or absent protein product due to the creation of a premature termination codon in CTSK, a gene where loss-of-function variants are known to be pathogenic. Please note: this variant was assessed in the context of healthy population screening.

NM_000396.4(CTSK):c.163A>T (p.Lys55Ter)

Gene: CTSK (cathepsin K; minus strand). Cytogenetic location: 1q21.3.
Variant type: single nucleotide variant.
Coding change: c.163A>T on transcript NM_000396.4 (MANE Select); coding-DNA position 163, A replaced by T.
Protein change: p.Lys55Ter; replaces lysine 55 with a stop codon.
Molecular consequence: nonsense.
Genome position (GRCh38, 1-based): chr1:150,806,182, T>A on the plus strand (A>T on the coding strand, the complement: CTSK is on the minus strand). VCF-style: chr1-150806182-T-A. GRCh37 (hg19) VCF-style: chr1-150778658-T-A.
Other names: short protein forms K55*.
Identifiers: ClinVar variation 1725489 (VCV001725489.2), dbSNP rs2525178672, ClinGen allele CA342337353.